The following is an entry in ClinVar:

ClinVar aggregate classification (germline): Pathogenic/Likely pathogenic. Review status: criteria provided, multiple submitters, no conflicts (2 of 4 stars). 3 submissions from 3 submitters: Pathogenic (1); Likely pathogenic (2). Last evaluated 2023-12-20.

Conditions:
Werner syndrome (WRN). Identifiers: Orphanet 902, MedGen C0043119, MONDO:0010196, OMIM 277700.

Submissions (3):

Fulgent Genetics
Classification: Likely pathogenic for Werner syndrome. Last evaluated: 2023-12-20. Review status: criteria provided, single submitter. Criteria: ACMG Guidelines, 2015. Collection method: clinical testing. Allele origin: germline.

Labcorp Genetics (formerly Invitae), Labcorp
Classification: Pathogenic for Werner syndrome. Last evaluated: 2023-11-10. Review status: criteria provided, single submitter. Criteria: Invitae Variant Classification Sherloc (09022015). Collection method: clinical testing. Allele origin: germline.
Comment: This sequence change creates a premature translational stop signal (p.Asp77Glyfs*6) in the WRN gene. It is expected to result in an absent or disrupted protein product. Loss-of-function variants in WRN are known to be pathogenic (PMID: 16673358). This variant is not present in population databases (gnomAD no frequency). This variant has not been reported in the literature in individuals affected with WRN-related conditions. ClinVar contains an entry for this variant (Variation ID: 458413). RNA analysis performed to evaluate the impact of this premature translational stop signal on mRNA splicing indicates it does not significantly alter splicing (Invitae). For these reasons, this variant has been classified as Pathogenic.

Baylor Genetics
Classification: Likely pathogenic for Werner syndrome. Last evaluated: 2023-03-30. Review status: criteria provided, single submitter. Criteria: ACMG Guidelines, 2015. Collection method: clinical testing. Allele origin: unknown.

Literature cited by the submitters: PubMed 16673358 (cited by Labcorp Genetics (formerly Invitae), Labcorp).

NM_000553.6(WRN):c.229dup (p.Asp77fs)

Gene: WRN (WRN RecQ like helicase; plus strand). Cytogenetic location: 8p12.
Variant type: Duplication.
Coding change: c.229dup on transcript NM_000553.6 (MANE Select); coding-DNA position 229, one base duplicated (G; older notation c.229dupG).
Protein change: p.Asp77fs; shifts the reading frame from aspartic acid 77.
Molecular consequence: frameshift variant.
Genome position (GRCh38, 1-based): chr8:31,064,308, G duplicated; the last of 4 consecutive G bases (chr8:31,064,305-31,064,308); duplicating any one gives the same sequence. VCF-style (leftmost placement, unchanged base first): chr8-31064304-T-TG. GRCh37 (hg19) VCF-style: chr8-30921820-T-TG.
Other names: c.229dupG (NM_000553.4); short protein forms D77fs.
Identifiers: ClinVar variation 458413 (VCV000458413.8), dbSNP rs747587698, ClinGen allele CA4704017.